The following is an entry in ClinVar:

NC_000005.9:g.(?_112043010)_147211146del

Gene: APC (APC regulator of Wnt signaling pathway; plus strand).
Variant type: Deletion.
Identifiers: ClinVar variation 1069333 (VCV001069333.2).

ClinVar aggregate classification (germline): Pathogenic (1 of 4 stars; one submission).

Conditions:
Familial adenomatous polyposis 1 (FAP1). Also called: FAMILIAL ADENOMATOUS POLYPOSIS 1, ATTENUATED; POLYPOSIS, ADENOMATOUS INTESTINAL. Identifiers: MedGen C2713442, MONDO:0021056, OMIM 175100. Disease mechanism: loss of function.

Submission:

Labcorp Genetics (formerly Invitae), Labcorp
Classification: Pathogenic for Familial adenomatous polyposis 1. Last evaluated: 2018-10-26. Review status: criteria provided, single submitter. Criteria: Invitae Variant Classification Sherloc (09022015). Collection method: clinical testing. Allele origin: germline.
Comment: A gross deletion of the genomic region encompassing the full coding sequence of the APC gene has been identified. The boundaries of this event are unknown as the deletion extends beyond the assayed region for this gene and therefore may encompass additional genes. Similar deletions have been observed in several individuals affected with familial adenomatous polyposis (PMID: 18487285, 19279422, 21643010).¬†ClinVar contains an entry for this variant (Variation ID:¬†236555). Loss-of-function variants in APC are known to be pathogenic (PMID: 17963004, 20685668). For these reasons, this variant has been classified as Pathogenic.

Literature cited by the submitters: PubMed 18487285; PubMed 19279422; PubMed 21643010; PubMed 17963004; PubMed 20685668.